The following is an entry in ClinVar:

NM_004341.5(CAD):c.4048G>T (p.Asp1350Tyr)

Gene: CAD (carbamoyl-phosphate synthetase 2, aspartate transcarbamylase, and dihydroorotase; plus strand). Cytogenetic location: 2p23.3.
Variant type: single nucleotide variant.
Coding change: c.4048G>T on transcript NM_004341.5 (MANE Select); coding-DNA position 4048, G replaced by T.
Protein change: p.Asp1350Tyr; replaces aspartic acid 1350 with tyrosine.
Molecular consequence: missense variant.
Genome position (GRCh38, 1-based): chr2:27,235,614, G>T. VCF-style: chr2-27235614-G-T. GRCh37 (hg19) VCF-style: chr2-27458482-G-T.
Other names: c.3859G>T, p.Asp1287Tyr (NM_001306079.2); short protein forms D1350Y, D1287Y.
Identifiers: ClinVar variation 1404463 (VCV001404463.8), dbSNP rs2148082491, ClinGen allele CA346217826.

ClinVar aggregate classification (germline): Uncertain significance (1 of 4 stars; one submission).

Submission:

Labcorp Genetics (formerly Invitae), Labcorp
Classification: Uncertain significance. Last evaluated: 2022-02-02. Review status: criteria provided, single submitter. Criteria: Invitae Variant Classification Sherloc (09022015). Collection method: clinical testing. Allele origin: germline.
Comment: In summary, the available evidence is currently insufficient to determine the role of this variant in disease. Therefore, it has been classified as a Variant of Uncertain Significance. Algorithms developed to predict the effect of missense changes on protein structure and function (SIFT, PolyPhen-2, Align-GVGD) all suggest that this variant is likely to be disruptive. This variant has not been reported in the literature in individuals affected with CAD-related conditions. This variant is not present in population databases (gnomAD no frequency). This sequence change replaces aspartic acid, which is acidic and polar, with tyrosine, which is neutral and polar, at codon 1350 of the CAD protein (p.Asp1350Tyr).